The following is an entry in ClinVar:

NM_003079.5(SMARCE1):c.487C>T (p.Arg163Cys)

Gene: SMARCE1 (SWI/SNF related BAF chromatin remodeling complex subunit E1; minus strand). Cytogenetic location: 17q21.2.
Variant type: single nucleotide variant.
Coding change: c.487C>T on transcript NM_003079.5 (MANE Select); coding-DNA position 487, C replaced by T.
Protein change: p.Arg163Cys; replaces arginine 163 with cysteine.
Molecular consequence: missense variant.
Genome position (GRCh38, 1-based): chr17:40,635,985, G>A on the plus strand (C>T on the coding strand, the complement: SMARCE1 is on the minus strand). VCF-style: chr17-40635985-G-A. GRCh37 (hg19) VCF-style: chr17-38792237-G-A.
Other names: short protein forms R163C.
Identifiers: ClinVar variation 532250 (VCV000532250.19), dbSNP rs190432371, ClinGen allele CA8545237.

ClinVar aggregate classification (germline): Uncertain significance. Review status: criteria provided, multiple submitters, no conflicts (2 of 4 stars). 4 submissions from 4 submitters: Uncertain significance (3). 1 of the submissions does not count toward it. Last evaluated 2025-11-25.

Conditions:
Coffin-Siris syndrome 5 (CSS5). Identifiers: Orphanet 1465, MedGen C4310788, MONDO:0014838, OMIM 616938.
Hereditary cancer-predisposing syndrome. Also called: Hereditary neoplastic syndrome; Neoplastic Syndromes, Hereditary; Tumor predisposition; Hereditary Cancer Syndrome. Identifiers: Orphanet 140162, MedGen C0027672, MeSH D009386, MONDO:0015356.
Familial meningioma. Also called: Meningioma, familial, susceptibility to. Identifiers: Orphanet 263662, MedGen C3551915, MONDO:0011789, OMIM 607174.
SMARCE1-related disorder. Also called: SMARCE1-related condition.

Allele frequency attached by ClinVar (database versions not stated): gnomAD 0.00001 and 0.00002; gnomAD exomes 0.00001 and 0.00002; TOPMed 0.00001; ExAC 0.00002; 1000 Genomes Project 30x 0.00016; 1000 Genomes Project 0.00020.

Submissions (4):

Labcorp Genetics (formerly Invitae), Labcorp
Classification: Uncertain significance for Familial meningioma. Last evaluated: 2025-11-25. Review status: criteria provided, single submitter. Criteria: Invitae Variant Classification Sherloc (09022015). Collection method: clinical testing. Allele origin: germline.
Comment: This sequence change replaces arginine, which is basic and polar, with cysteine, which is neutral and slightly polar, at codon 163 of the SMARCE1 protein (p.Arg163Cys). This variant is present in population databases (rs190432371, gnomAD 0.007%). This variant has not been reported in the literature in individuals affected with SMARCE1-related conditions. ClinVar contains an entry for this variant (Variation ID: 532250). Invitae Evidence Modeling of protein sequence and biophysical properties (such as structural, functional, and spatial information, amino acid conservation, physicochemical variation, residue mobility, and thermodynamic stability) indicates that this missense variant is expected to disrupt SMARCE1 protein function with a positive predictive value of 80%. In summary, the available evidence is currently insufficient to determine the role of this variant in disease. Therefore, it has been classified as a Variant of Uncertain Significance.

Ambry Genetics
Classification: Uncertain significance for Hereditary cancer-predisposing syndrome. Last evaluated: 2025-01-02. Review status: criteria provided, single submitter. Criteria: Ambry Variant Classification Scheme 2023. Collection method: clinical testing. Allele origin: germline.
Comment: The p.R163C variant (also known as c.487C>T), located in coding exon 6 of the SMARCE1 gene, results from a C to T substitution at nucleotide position 487. The arginine at codon 163 is replaced by cysteine, an amino acid with highly dissimilar properties. This variant has been detected in multiple individuals with no reported features of Coffin-Siris syndrome (Ambry internal data). This amino acid position is highly conserved in available vertebrate species. In addition, the in silico prediction for this alteration is inconclusive. Based on the supporting evidence, the association of this alteration with an increased risk of meningiomas is unknown; however, the association of this alteration with Coffin-Siris syndrome is unlikely.

St. Jude Molecular Pathology, St. Jude Children's Research Hospital
Classification: Uncertain significance for Coffin-Siris syndrome 5. Last evaluated: 2024-09-28. Review status: criteria provided, single submitter. Criteria: St. Jude Assertion Criteria 2020. Collection method: clinical testing. Allele origin: germline.
Comment: The SMARCE1 c.487C>T (p.Arg163Cys) missense change has a maximum subpopulation frequency of 0.006% in gnomAD v2.1.1. The in silico tool REVEL predicts a benign effect on protein function, but to our knowledge this prediction has not been confirmed by functional studies. To our knowledge, this variant has not been reported in the literature in individuals with SMARCE1-related disease. In summary, the evidence currently available is insufficient to determine the clinical significance of this variant. It has therefore been classified as of uncertain significance.

PreventionGenetics, part of Exact Sciences
Classification: Uncertain significance for SMARCE1-related condition. Last evaluated: 2024-09-05. Review status: no assertion criteria provided. Collection method: clinical testing. Allele origin: germline. Not counted in ClinVar's aggregate classification.
Comment: The SMARCE1 c.487C>T variant is predicted to result in the amino acid substitution p.Arg163Cys. To our knowledge, this variant has not been reported in the literature. This variant is reported in 0.0062% of alleles in individuals of African descent in gnomAD, and is classified as a variant of uncertain significance in ClinVar. At this time, the clinical significance of this variant is uncertain due to the absence of conclusive functional and genetic evidence.